The following is an entry in ClinVar:

NM_000821.7(GGCX):c.24G>C (p.Ala8=)

Gene: GGCX (gamma-glutamyl carboxylase; minus strand). Cytogenetic location: 2p11.2.
Variant type: single nucleotide variant.
Coding change: c.24G>C on transcript NM_000821.7 (MANE Select); coding-DNA position 24, G replaced by C.
Protein change: p.Ala8=; no amino-acid change (alanine 8 retained).
Molecular consequence: synonymous variant.
Genome position (GRCh38, 1-based): chr2:85,561,405, C>G on the plus strand (G>C on the coding strand, the complement: GGCX is on the minus strand). VCF-style: chr2-85561405-C-G. GRCh37 (hg19) VCF-style: chr2-85788528-C-G.
Other names: c.24G>C, p.Ala8= (NM_001142269.4, NM_001311312.3).
Identifiers: ClinVar variation 1608428 (VCV001608428.10), dbSNP rs371622780, ClinGen allele CA1742256.

ClinVar aggregate classification (germline): Likely benign. Review status: criteria provided, single submitter (1 of 4 stars). 2 submissions from 2 submitters: Likely benign (1). 1 of the submissions does not count toward it. Last evaluated 2025-08-18.

Conditions:
GGCX-related disorder. Also called: GGCX-related condition; GGCX - Related Disorders.

gnomAD v4.1: 82 of 1,572,828 alleles (0.0052%); highest among the groups gnomAD compares: Non-Finnish European, 0.0067%; no homozygotes.

Submissions (2):

Labcorp Genetics (formerly Invitae), Labcorp
Classification: Likely benign. Last evaluated: 2025-08-18. Review status: criteria provided, single submitter. Criteria: Invitae Variant Classification Sherloc (09022015). Collection method: clinical testing. Allele origin: germline.

PreventionGenetics, part of Exact Sciences
Classification: Likely benign for GGCX-related condition. Last evaluated: 2019-03-05. Review status: no assertion criteria provided. Collection method: clinical testing. Allele origin: germline. Not counted in ClinVar's aggregate classification.
Comment: This variant is classified as likely benign based on ACMG/AMP sequence variant interpretation guidelines (Richards et al. 2015 PMID: 25741868, with internal and published modifications).